The following is an entry in ClinVar:

ClinVar aggregate classification (germline): Uncertain significance (1 of 4 stars; one submission).

Conditions:
Severe myoclonic epilepsy in infancy (DRVT). Also called: Severe Myoclonic Epilepsy in Infancy (SMEI); Dravet syndrome; Epileptic encephalopathy, early infantile, 6 (Dravet syndrome); SEVERE MYOCLONIC EPILEPSY OF INFANCY; DEVELOPMENTAL AND EPILEPTIC ENCEPHALOPATHY 6A. Identifiers: Orphanet 33069, MedGen C0751122, MONDO:0100135, OMIM 607208.

Allele frequency attached by ClinVar (database versions not stated): gnomAD 0.00001; TOPMed 0.00001.
gnomAD v4.1: 3 of 1,614,078 alleles (0.00019%); highest among the groups gnomAD compares: African/African-American, 0.0027%; no homozygotes.

Submission:

Labcorp Genetics (formerly Invitae), Labcorp
Classification: Uncertain significance for Severe myoclonic epilepsy in infancy. Last evaluated: 2021-10-13. Review status: criteria provided, single submitter. Criteria: Invitae Variant Classification Sherloc (09022015). Collection method: clinical testing. Allele origin: germline.
Comment: Algorithms developed to predict the effect of missense changes on protein structure and function are either unavailable or do not agree on the potential impact of this missense change (SIFT: "Deleterious"; PolyPhen-2: "Probably Damaging"; Align-GVGD: "Class C15"). In summary, the available evidence is currently insufficient to determine the role of this variant in disease. Therefore, it has been classified as a Variant of Uncertain Significance. This variant has not been reported in the literature in individuals affected with SNX27-related conditions. This variant is present in population databases (rs543145513, ExAC 0.01%). This sequence change replaces glycine with arginine at codon 483 of the SNX27 protein (p.Gly483Arg). The glycine residue is highly conserved and there is a moderate physicochemical difference between glycine and arginine.

NM_001330723.2(SNX27):c.1447G>A (p.Gly483Arg)

Gene: SNX27 (sorting nexin 27; plus strand). Cytogenetic location: 1q21.3.
Variant type: single nucleotide variant.
Coding change: c.1447G>A on transcript NM_001330723.2 (MANE Select); coding-DNA position 1447, G replaced by A.
Protein change: p.Gly483Arg; replaces glycine 483 with arginine.
Molecular consequence: missense variant.
Genome position (GRCh38, 1-based): chr1:151,692,968, G>A. VCF-style: chr1-151692968-G-A. GRCh37 (hg19) VCF-style: chr1-151665444-G-A.
Other names: c.1447G>A, p.Gly483Arg (NM_030918.6); short protein forms G483R.
Identifiers: ClinVar variation 1524788 (VCV001524788.4), dbSNP rs543145513, ClinGen allele CA1093677.
Genomic context (GRCh38, chr1:151,692,968, plus strand): 5'-CAGAACCAGGTAATTGCATTTGAATGGGATGAGATGCAGCGATGGGACACAGATGAAGAA[G>A]GGATGGCCTTCTGTTTCGAATATGCACGAGGAGAGAAGAAGCCCCGATGGGTTAAAATCT-3'
Protein context (NP_001317652.1, residues 473-493): EMQRWDTDEE[Gly483Arg]MAFCFEYARG